The following is an entry in ClinVar:

ClinVar aggregate classification (germline): Uncertain significance (1 of 4 stars; one submission).

Conditions:
CANT1-related disorder. Also called: CANT1-related condition.

gnomAD v4.1: 20 of 1,614,126 alleles (0.0012%); highest among the groups gnomAD compares: South Asian, 0.0099%; no homozygotes.

Submission:

PreventionGenetics, part of Exact Sciences
Classification: Uncertain significance for CANT1-related condition. Last evaluated: 2026-08-24. Review status: criteria provided, single submitter. Criteria: ACMG Guidelines, 2015. Collection method: clinical testing. Allele origin: germline.
Comment: The CANT1 c.1073T>C variant is predicted to result in the amino acid substitution p.Ile358Thr. To our knowledge, this variant has not been reported in the literature. This variant is reported in 0.0098% of alleles in individuals of South Asian descent in gnomAD. At this time, the clinical significance of this variant is uncertain due to the absence of conclusive functional and genetic evidence.

NM_001159773.2(CANT1):c.1073T>C (p.Ile358Thr)

Gene: CANT1 (calcium activated nucleotidase 1; minus strand). Cytogenetic location: 17q25.3.
Variant type: single nucleotide variant.
Coding change: c.1073T>C on transcript NM_001159773.2 (MANE Select); coding-DNA position 1073, T replaced by C.
Protein change: p.Ile358Thr; replaces isoleucine 358 with threonine.
Molecular consequence: missense variant.
Genome position (GRCh38, 1-based): chr17:78,993,683, A>G on the plus strand (T>C on the coding strand, the complement: CANT1 is on the minus strand). VCF-style: chr17-78993683-A-G. GRCh37 (hg19) VCF-style: chr17-76989765-A-G.
Other names: c.1073T>C, p.Ile358Thr (NM_001159772.2, NM_138793.4); short protein forms I358T.
Identifiers: ClinVar variation 4979031 (VCV004979031.1).